The following is an entry in ClinVar:

NM_006904.7(PRKDC):c.8649C>A (p.Ser2883Arg)

Genes: PRKDC (protein kinase, DNA-activated, catalytic subunit; minus strand), LOC121740717 (Sharpr-MPRA regulatory region 7649; plus strand). Cytogenetic location: 8q11.21.
Variant type: single nucleotide variant.
Coding change: c.8649C>A on transcript NM_006904.7 (MANE Select); coding-DNA position 8649, C replaced by A.
Protein change: p.Ser2883Arg; replaces serine 2883 with arginine.
Molecular consequence: missense variant.
Genome position (GRCh38, 1-based): chr8:47,826,790, G>T on the plus strand (C>A on the coding strand, the complement: PRKDC is on the minus strand). VCF-style: chr8-47826790-G-T. GRCh37 (hg19) VCF-style: chr8-48739351-G-T.
Other names: c.8649C>A, p.Ser2883Arg (NM_001081640.2); short protein forms S2883R.
Identifiers: ClinVar variation 3225928 (VCV003225928.1), dbSNP rs2551866147, ClinGen allele CA371143974.

ClinVar aggregate classification (germline): Uncertain significance (1 of 4 stars; one submission).

Allele frequency attached by ClinVar (database versions not stated): gnomAD exomes below 0.00001.
gnomAD v4.1: 1 of 1,609,790 alleles (0.000062%); highest among the groups gnomAD compares: African/African-American, 0.0013%; no homozygotes.

Submission:

Ambry Genetics
Classification: Uncertain significance. Last evaluated: 2023-11-02. Review status: criteria provided, single submitter. Criteria: Ambry Variant Classification Scheme 2023. Collection method: clinical testing. Allele origin: germline.
Comment: The p.S2883R variant (also known as c.8649C>A), located in coding exon 63 of the PRKDC gene, results from a C to A substitution at nucleotide position 8649. The serine at codon 2883 is replaced by arginine, an amino acid with dissimilar properties. This amino acid position is conserved. In addition, the in silico prediction for this alteration is inconclusive. Since supporting evidence is limited at this time, the clinical significance of this alteration remains unclear.